The following is an entry in ClinVar:

ClinVar aggregate classification (germline): Conflicting classifications of pathogenicity. Review status: criteria provided, conflicting classifications (1 of 4 stars). 3 submissions from 3 submitters: Uncertain significance (2); Benign (1). Last evaluated 2025-11-05.

Conditions:
Hereditary cancer-predisposing syndrome. Also called: Tumor predisposition; Hereditary neoplastic syndrome; Neoplastic Syndromes, Hereditary; Hereditary Cancer Syndrome. Identifiers: Orphanet 140162, MedGen C0027672, MeSH D009386, MONDO:0015356.
Tuberous sclerosis 2 (TSC2). Identifiers: Orphanet 805, MedGen C1860707, MONDO:0013199, OMIM 613254.

Submissions (3):

Labcorp Genetics (formerly Invitae), Labcorp
Classification: Benign for Tuberous sclerosis 2. Last evaluated: 2025-11-05. Review status: criteria provided, single submitter. Criteria: Invitae Variant Classification Sherloc (09022015). Collection method: clinical testing. Allele origin: germline.

Quest Diagnostics Nichols Institute San Juan Capistrano
Classification: Uncertain significance. Last evaluated: 2025-08-06. Review status: criteria provided, single submitter. Criteria: Quest Diagnostics criteria. Collection method: clinical testing. Allele origin: unknown.

Ambry Genetics
Classification: Uncertain significance for Hereditary cancer-predisposing syndrome. Last evaluated: 2022-12-27. Review status: criteria provided, single submitter. Criteria: Ambry Variant Classification Scheme 2023. Collection method: clinical testing. Allele origin: germline.
Comment: The p.K1481R variant (also known as c.4442A>G), located in coding exon 33 of the TSC2 gene, results from an A to G substitution at nucleotide position 4442. The lysine at codon 1481 is replaced by arginine, an amino acid with highly similar properties. This amino acid position is poorly conserved in available vertebrate species. In addition, the in silico prediction for this alteration is inconclusive. Since supporting evidence is limited at this time, the clinical significance of this alteration remains unclear.

NM_000548.5(TSC2):c.4442A>G (p.Lys1481Arg)

Gene: TSC2 (TSC complex subunit 2; plus strand). Cytogenetic location: 16p13.3.
Variant type: single nucleotide variant.
Coding change: c.4442A>G on transcript NM_000548.5 (MANE Select); coding-DNA position 4442, A replaced by G.
Protein change: p.Lys1481Arg; replaces lysine 1481 with arginine.
Molecular consequence: missense variant.
Genome position (GRCh38, 1-based): chr16:2,084,664, A>G. VCF-style: chr16-2084664-A-G. GRCh37 (hg19) VCF-style: chr16-2134665-A-G.
Other names: c.4241A>G, p.Lys1414Arg (NM_001077183.3); c.4373A>G, p.Lys1458Arg (NM_001114382.3); c.4133A>G, p.Lys1378Arg (NM_001318827.2); c.4097A>G, p.Lys1366Arg (NM_001318829.2); c.3710A>G, p.Lys1237Arg (NM_001318831.2); c.4274A>G, p.Lys1425Arg (NM_001318832.2); c.4244A>G, p.Lys1415Arg (NM_001363528.2); c.4310A>G, p.Lys1437Arg (NM_001370404.1); and 1 more; short protein forms K1237R, K1414R, K1481R, K1415R, K1437R, K1438R, K1458R, K1366R.
Identifiers: ClinVar variation 941698 (VCV000941698.13), dbSNP rs2090538754, ClinGen allele CA394302335.